The following is an entry in ClinVar:

ClinVar aggregate classification (germline): Uncertain significance. Review status: criteria provided, multiple submitters, no conflicts (2 of 4 stars). 2 submissions from 2 submitters: Uncertain significance (2). Last evaluated 2024-03-06.

Conditions:
Cardiomyopathy (CMYO). Also called: Cardiomyopathies. Identifiers: Orphanet 167848, MedGen C0878544, MONDO:0004994, HP:0001638. Inheritance: Various modes of inheritance.
Catecholaminergic polymorphic ventricular tachycardia (CVPT). Also called: Catecholamine-induced polymorphic ventricular tachycardia. Identifiers: Orphanet 3286, MedGen C5574922, MONDO:0017990.

Submissions (2):

Color Diagnostics, LLC DBA Color Health
Classification: Uncertain significance for Cardiomyopathy. Last evaluated: 2024-03-06. Review status: criteria provided, single submitter. Criteria: ACMG Guidelines, 2015. Collection method: clinical testing. Allele origin: germline.
Comment: This missense variant replaces glutamic acid with valine at codon 4668 of the RYR2 protein. Computational prediction suggests that this variant may have deleterious impact on protein structure and function (internally defined REVEL score threshold >= 0.7, PMID: 27666373). To our knowledge, functional studies have not been reported for this variant. This variant has not been reported in individuals affected with RYR2-related disorders in the literature. This variant has not been identified in the general population by the Genome Aggregation Database (gnomAD). The available evidence is insufficient to determine the role of this variant in disease conclusively. Therefore, this variant is classified as a Variant of Uncertain Significance.

All of Us Research Program, National Institutes of Health
Classification: Uncertain significance for Catecholaminergic polymorphic ventricular tachycardia. Last evaluated: 2023-08-28. Review status: criteria provided, single submitter. Criteria: ACMG Guidelines, 2015. Collection method: clinical testing. Allele origin: germline. Inheritance: Autosomal dominant inheritance. Observed: 1 variant allele, 1 heterozygote.
Comment: This missense variant replaces glutamic acid with valine at codon 4668 of the RYR2 protein. Computational prediction tool suggests that this variant may have deleterious impact on protein structure and function (internally defined REVEL score threshold >=0.7, PMID: 27666373). Splice site prediction tools suggest that this variant may not impact RNA splicing. To our knowledge, functional studies have not been performed for this variant. This variant has not been reported in individuals affected with cardiovascular disorders in the literature. This variant has not been identified in the general population by the Genome Aggregation Database (gnomAD). The available evidence is insufficient to determine the role of this variant in disease conclusively. Therefore, this variant is classified as a Variant of Uncertain Significance.

This study involves interpretation of variants in research participants for the purpose of population health screening. Participant phenotype was not available at the time of variant classification. Additional details can be found in publication PMID: 35346344, PMCID: PMC8962531

NM_001035.3(RYR2):c.14003A>T (p.Glu4668Val)

Gene: RYR2 (ryanodine receptor 2; plus strand). Cytogenetic location: 1q43.
Variant type: single nucleotide variant.
Coding change: c.14003A>T on transcript NM_001035.3 (MANE Select); coding-DNA position 14003, A replaced by T.
Protein change: p.Glu4668Val; replaces glutamic acid 4668 with valine.
Molecular consequence: missense variant.
Genome position (GRCh38, 1-based): chr1:237,798,083, A>T. VCF-style: chr1-237798083-A-T. GRCh37 (hg19) VCF-style: chr1-237961383-A-T.
Other names: short protein forms E4668V.
Identifiers: ClinVar variation 924540 (VCV000924540.6), dbSNP rs1659482165, ClinGen allele CA345419695.